The following is an entry in ClinVar:

ClinVar aggregate classification (germline): Likely benign. Review status: criteria provided, multiple submitters, no conflicts (2 of 4 stars). 2 submissions from 2 submitters: Likely benign (2). Last evaluated 2018-06-19.

Allele frequency attached by ClinVar (database versions not stated): gnomAD exomes 0.00093 and 0.00250; ExAC 0.00300; 1000 Genomes Project 0.00839; 1000 Genomes Project 30x 0.00859; gnomAD 0.00891 and 0.00973; TOPMed 0.01008; ESP Exome Variant Server 0.01038.
gnomAD v4.1: 2,703 of 1,574,882 alleles (0.17%); highest among the groups gnomAD compares: African/African-American, 3.1%; 41 homozygotes.

Submissions (2):

GeneDx
Classification: Likely benign. Last evaluated: 2018-06-19. Review status: criteria provided, single submitter. Criteria: GeneDx Variant Classification (06012015). Collection method: clinical testing. Allele origin: germline. Affected: yes.
Comment: This variant is considered likely benign or benign based on one or more of the following criteria: it is a conservative change, it occurs at a poorly conserved position in the protein, it is predicted to be benign by multiple in silico algorithms, and/or has population frequency not consistent with disease.

Breakthrough Genomics
Classification: Likely benign. Review status: criteria provided, single submitter. Criteria: ACMG Guidelines, 2015. Collection method: not provided. Allele origin: germline. Inheritance: Autosomal recessive inheritance. Affected: yes.

NM_006767.4(LZTR1):c.791+34C>T

Gene: LZTR1 (leucine zipper like post translational regulator 1; plus strand). Cytogenetic location: 22q11.21.
Variant type: single nucleotide variant.
Coding change: c.791+34C>T on transcript NM_006767.4 (MANE Select); 34 bases into the intron after coding-DNA position 791, C replaced by T.
Molecular consequence: intron variant.
Genome position (GRCh38, 1-based): chr22:20,990,559, C>T. VCF-style: chr22-20990559-C-T. GRCh37 (hg19) VCF-style: chr22-21344848-C-T.
Identifiers: ClinVar variation 561455 (VCV000561455.2), dbSNP rs148414532, ClinGen allele CA10118624.